The following is an entry in ClinVar:

NM_001009944.3(PKD1):c.12415C>T (p.Leu4139Phe)

Gene: PKD1 (polycystin 1, transient receptor potential channel interacting; minus strand). Cytogenetic location: 16p13.3.
Variant type: single nucleotide variant.
Coding change: c.12415C>T on transcript NM_001009944.3 (MANE Select); coding-DNA position 12415, C replaced by T.
Protein change: p.Leu4139Phe; replaces leucine 4139 with phenylalanine.
Molecular consequence: missense variant.
Genome position (GRCh38, 1-based): chr16:2,090,314, G>A on the plus strand (C>T on the coding strand, the complement: PKD1 is on the minus strand). VCF-style: chr16-2090314-G-A. GRCh37 (hg19) VCF-style: chr16-2140315-G-A.
Other names: c.12412C>T, p.Leu4138Phe (NM_000296.4); short protein forms L4138F, L4139F.
Identifiers: ClinVar variation 2634008 (VCV002634008.2), dbSNP rs373984948, ClinGen allele CA7828649.

ClinVar aggregate classification (germline): Uncertain significance. Review status: criteria provided, multiple submitters, no conflicts (2 of 4 stars). 2 submissions from 2 submitters: Uncertain significance (2). Last evaluated 2024-02-05.

Conditions:
PKD1-related disorder. Also called: PKD1-related condition.
Polycystic kidney disease, adult type (PKD1). Also called: POLYCYSTIC KIDNEY DISEASE 1 WITH OR WITHOUT POLYCYSTIC LIVER DISEASE; Polycystic Kidney Disease 1, Autosomal Dominant; Polycystic kidney disease 1; Polycystic kidney disease 1, severe; Polycystic Kidney, Autosomal Dominant; POLYCYSTIC KIDNEY DISEASE, ADULT, TYPE I. Identifiers: MedGen C3149841, MONDO:0008263, OMIM 173900.

Allele frequency attached by ClinVar (database versions not stated): gnomAD exomes 0.00001; TOPMed 0.00001; gnomAD 0.00002; ExAC 0.00003; ESP Exome Variant Server 0.00008.
gnomAD v4.1: 6 of 1,611,488 alleles (0.00037%); highest among the groups gnomAD compares: African/African-American, 0.0013%; no homozygotes.

Submissions (2):

Fulgent Genetics
Classification: Uncertain significance for Polycystic kidney disease, adult type. Last evaluated: 2024-02-05. Review status: criteria provided, single submitter. Criteria: ACMG Guidelines, 2015. Collection method: clinical testing. Allele origin: germline.

PreventionGenetics, part of Exact Sciences
Classification: Uncertain significance for PKD1-related condition. Last evaluated: 2023-09-23. Review status: criteria provided, single submitter. Criteria: ACMG Guidelines, 2015. Collection method: clinical testing. Allele origin: germline.
Comment: The PKD1 c.12415C>T variant is predicted to result in the amino acid substitution p.Leu4139Phe. To our knowledge, this variant has not been reported in the literature. This variant is reported in 0.0081% of alleles in individuals of African descent in gnomAD. Of note, a different substitution at the same codon defined as p.Leu4139Pro has been reported in individuals with autosomal dominant polycystic kidney disease (ADPKD), but the clinical significance was unknown (Rossetti et al. 2007. PubMed ID: 17582161, Table 1C; Pandita et al. 2019. PubMed ID: 30816285, supplementary table 2). At this time, the clinical significance of the p.Leu4139Phe variant in this patient is uncertain due to the absence of conclusive functional and genetic evidence.